The following is an entry in ClinVar:

NM_001041.4(SI):c.1598-1G>A

Gene: SI (sucrase-isomaltase; minus strand). Cytogenetic location: 3q26.1.
Variant type: single nucleotide variant.
Coding change: c.1598-1G>A on transcript NM_001041.4 (MANE Select); the canonical splice acceptor site of the intron before coding-DNA position 1598, G replaced by A.
Molecular consequence: splice acceptor variant.
Genome position (GRCh38, 1-based): chr3:165,049,245, C>T on the plus strand (G>A on the coding strand, the complement: SI is on the minus strand). VCF-style: chr3-165049245-C-T. GRCh37 (hg19) VCF-style: chr3-164767033-C-T.
Identifiers: ClinVar variation 1472111 (VCV001472111.6), dbSNP rs1255541938, ClinGen allele CA355053106.

ClinVar aggregate classification (germline): Likely pathogenic (1 of 4 stars; one submission).

Submission:

Labcorp Genetics (formerly Invitae), Labcorp
Classification: Likely pathogenic. Last evaluated: 2021-12-09. Review status: criteria provided, single submitter. Criteria: Invitae Variant Classification Sherloc (09022015). Collection method: clinical testing. Allele origin: germline.
Comment: This sequence change affects an acceptor splice site in intron 14 of the SI gene. It is expected to disrupt RNA splicing. Variants that disrupt the donor or acceptor splice site typically lead to a loss of protein function (PMID: 16199547), and loss-of-function variants in SI are known to be pathogenic (PMID: 16329100, 23103650, 25452324). This variant is not present in population databases (gnomAD no frequency). This variant has not been reported in the literature in individuals affected with SI-related conditions. Algorithms developed to predict the effect of sequence changes on RNA splicing suggest that this variant may disrupt the consensus splice site. In summary, the currently available evidence indicates that the variant is pathogenic, but additional data are needed to prove that conclusively. Therefore, this variant has been classified as Likely Pathogenic.

Literature cited by the submitters: PubMed 16199547; PubMed 16329100; PubMed 23103650; PubMed 25452324.